The following is an entry in ClinVar:

NM_000642.3(AGL):c.82+1544G>A

Gene: AGL (amylo-alpha-1,6-glucosidase and 4-alpha-glucanotransferase; plus strand). Cytogenetic location: 1p21.2.
Variant type: single nucleotide variant.
Coding change: c.82+1544G>A on transcript NM_000642.3 (MANE Select); 1544 bases into the intron after coding-DNA position 82, G replaced by A.
Molecular consequence: intron variant. On other transcripts: 5 prime UTR variant (1).
Genome position (GRCh38, 1-based): chr1:99,852,668, G>A. VCF-style: chr1-99852668-G-A. GRCh37 (hg19) VCF-style: chr1-100318224-G-A.
Other names: c.-2G>A (NM_000646.3); c.82+1544G>A (NM_000643.3, NM_000644.3, NM_001425326.1 and 6 more transcripts).
Identifiers: ClinVar variation 3036526 (VCV003036526.2), dbSNP rs758977632, ClinGen allele CA966025.

ClinVar aggregate classification (germline): Likely benign (0 of 4 stars; one submission).

Conditions:
AGL-related disorder. Also called: AGL-related condition.

Allele frequency attached by ClinVar (database versions not stated): gnomAD 0.00005.
gnomAD v4.1: 14 of 777,596 alleles (0.0018%); highest among the groups gnomAD compares: African/African-American, 0.02%; no homozygotes.

Submission:

PreventionGenetics, part of Exact Sciences
Classification: Likely benign for AGL-related condition. Last evaluated: 2020-06-05. Review status: no assertion criteria provided. Collection method: clinical testing. Allele origin: germline.
Comment: This variant is classified as likely benign based on ACMG/AMP sequence variant interpretation guidelines (Richards et al. 2015 PMID: 25741868, with internal and published modifications).